The following is an entry in ClinVar:

ClinVar aggregate classification (germline): Conflicting classifications of pathogenicity. Review status: criteria provided, conflicting classifications (1 of 4 stars). 5 submissions from 5 submitters: Uncertain significance (3); Likely benign (2). Last evaluated 2026-05-25.

Conditions:
Cardiovascular phenotype. Identifiers: MedGen CN230736.
NEXN-related disorder. Also called: NEXN-related condition; NEXN-related disorders.
Hypertrophic cardiomyopathy 20. Identifiers: MedGen C3151267, MONDO:0013477, OMIM 613876.
Dilated cardiomyopathy 1CC (CMD1CC). Identifiers: Orphanet 154, MedGen C2751084, MONDO:0013147, OMIM 613122.

Allele frequency attached by ClinVar (database versions not stated): gnomAD exomes below 0.00001 and 0.00001; ExAC 0.00001; gnomAD 0.00001; TOPMed 0.00001.

Submissions (5):

PreventionGenetics, part of Exact Sciences
Classification: Uncertain significance for NEXN-related condition. Last evaluated: 2026-05-25. Review status: criteria provided, single submitter. Criteria: ACMG Guidelines, 2015. Collection method: clinical testing. Allele origin: germline.
Comment: The NEXN c.542C>T variant is predicted to result in the amino acid substitution p.Thr181Ile. To our knowledge, this variant has not been reported in the literature. This variant is reported in 0.00089% of alleles in individuals of European (Non-Finnish) descent in gnomAD. At this time, the clinical significance of this variant is uncertain due to the absence of conclusive functional and genetic evidence.

Ambry Genetics
Classification: Likely benign for Cardiovascular phenotype. Last evaluated: 2025-07-28. Review status: criteria provided, single submitter. Criteria: Ambry Variant Classification Scheme 2023. Collection method: clinical testing. Allele origin: germline.

Labcorp Genetics (formerly Invitae), Labcorp
Classification: Uncertain significance for Dilated cardiomyopathy 1CC; Hypertrophic cardiomyopathy 20. Last evaluated: 2025-04-24. Review status: criteria provided, single submitter. Criteria: Invitae Variant Classification Sherloc (09022015). Collection method: clinical testing. Allele origin: germline.
Comment: This sequence change replaces threonine, which is neutral and polar, with isoleucine, which is neutral and non-polar, at codon 181 of the NEXN protein (p.Thr181Ile). This variant is present in population databases (rs764640427, gnomAD 0.0009%). This variant has not been reported in the literature in individuals affected with NEXN-related conditions. ClinVar contains an entry for this variant (Variation ID: 661519). Invitae Evidence Modeling of protein sequence and biophysical properties (such as structural, functional, and spatial information, amino acid conservation, physicochemical variation, residue mobility, and thermodynamic stability) indicates that this missense variant is not expected to disrupt NEXN protein function with a negative predictive value of 80%. In summary, the available evidence is currently insufficient to determine the role of this variant in disease. Therefore, it has been classified as a Variant of Uncertain Significance.

Blueprint Genetics
Classification: Likely benign. Last evaluated: 2024-11-15. Review status: criteria provided, single submitter. Criteria: ACMG Guidelines, 2015. Collection method: clinical testing. Allele origin: germline.

GeneDx
Classification: Uncertain significance. Last evaluated: 2021-04-01. Review status: criteria provided, single submitter. Criteria: GeneDx Variant Classification Process June 2021. Collection method: clinical testing. Allele origin: germline. Affected: yes.
Comment: Has not been previously published as pathogenic or benign to our knowledge; Reported in ClinVar as a variant of uncertain significance (ClinVar Variant ID# 661519; Landrum et al., 2016); Not observed at a significant frequency in large population cohorts (Lek et al., 2016); In silico analysis supports that this missense variant does not alter protein structure/function

NM_144573.4(NEXN):c.542C>T (p.Thr181Ile)

Gene: NEXN (nexilin F-actin binding protein; plus strand). Cytogenetic location: 1p31.1.
Variant type: single nucleotide variant.
Coding change: c.542C>T on transcript NM_144573.4 (MANE Select); coding-DNA position 542, C replaced by T.
Protein change: p.Thr181Ile; replaces threonine 181 with isoleucine.
Molecular consequence: missense variant.
Genome position (GRCh38, 1-based): chr1:77,926,466, C>T. VCF-style: chr1-77926466-C-T. GRCh37 (hg19) VCF-style: chr1-78392151-C-T.
Other names: c.350C>T, p.Thr117Ile (NM_001172309.2); short protein forms T181I, T117I.
Identifiers: ClinVar variation 661519 (VCV000661519.16), dbSNP rs764640427, ClinGen allele CA918680.